The following is an entry in ClinVar:

ClinVar aggregate classification (germline): Uncertain significance (1 of 4 stars; one submission).

Submission:

Labcorp Genetics (formerly Invitae), Labcorp
Classification: Uncertain significance. Last evaluated: 2021-09-15. Review status: criteria provided, single submitter. Criteria: Invitae Variant Classification Sherloc (09022015). Collection method: clinical testing. Allele origin: germline.
Comment: Algorithms developed to predict the effect of missense changes on protein structure and function are either unavailable or do not agree on the potential impact of this missense change (SIFT: "Tolerated"; PolyPhen-2: "Possibly Damaging"; Align-GVGD: "Class C0"). In summary, the available evidence is currently insufficient to determine the role of this variant in disease. Therefore, it has been classified as a Variant of Uncertain Significance. This variant has not been reported in the literature in individuals affected with ZSWIM6-related conditions. This variant is not present in population databases (ExAC no frequency). This sequence change replaces lysine with asparagine at codon 1096 of the ZSWIM6 protein (p.Lys1096Asn). The lysine residue is moderately conserved and there is a moderate physicochemical difference between lysine and asparagine.

NM_020928.2(ZSWIM6):c.3288G>C (p.Lys1096Asn)

Gene: ZSWIM6 (zinc finger SWIM-type containing 6; plus strand). Cytogenetic location: 5q12.1.
Variant type: single nucleotide variant.
Coding change: c.3288G>C on transcript NM_020928.2 (MANE Select); coding-DNA position 3288, G replaced by C.
Protein change: p.Lys1096Asn; replaces lysine 1096 with asparagine.
Molecular consequence: missense variant.
Genome position (GRCh38, 1-based): chr5:61,543,957, G>C. VCF-style: chr5-61543957-G-C. GRCh37 (hg19) VCF-style: chr5-60839784-G-C.
Other names: short protein forms K1096N.
Identifiers: ClinVar variation 1490854 (VCV001490854.6), dbSNP rs2112298002, ClinGen allele CA359947273.